The following is an entry in ClinVar:

ClinVar aggregate classification (germline): Pathogenic (1 of 4 stars; one submission).

Conditions:
Primary ciliary dyskinesia. Also called: Ciliary dyskinesia. Identifiers: Orphanet 244, MedGen C0008780, MONDO:0016575, HP:0012265.

Submission:

Labcorp Genetics (formerly Invitae), Labcorp
Classification: Pathogenic for Primary ciliary dyskinesia. Last evaluated: 2024-02-18. Review status: criteria provided, single submitter. Criteria: Invitae Variant Classification Sherloc (09022015). Collection method: clinical testing. Allele origin: germline.
Comment: This sequence change creates a premature translational stop signal (p.His3484Glnfs*35) in the DNAH5 gene. It is expected to result in an absent or disrupted protein product. Loss-of-function variants in DNAH5 are known to be pathogenic (PMID: 11788826, 16627867). This variant is not present in population databases (gnomAD no frequency). This variant has not been reported in the literature in individuals affected with DNAH5-related conditions. For these reasons, this variant has been classified as Pathogenic.

Literature cited by the submitters: PubMed 11788826; PubMed 16627867.

NM_001369.3(DNAH5):c.10452del (p.His3484fs)

Gene: DNAH5 (dynein axonemal heavy chain 5; minus strand). Cytogenetic location: 5p15.2.
Variant type: Deletion.
Coding change: c.10452del on transcript NM_001369.3 (MANE Select); coding-DNA position 10452, one base deleted (C; older notation c.10452delC).
Protein change: p.His3484fs; shifts the reading frame from histidine 3484.
Molecular consequence: frameshift variant.
Genome position (GRCh38, 1-based): chr5:13,754,306, G deleted on the plus strand (C on the coding strand, the reverse complement: DNAH5 is on the minus strand). VCF-style (leftmost placement, unchanged base first): chr5-13754305-TG-T. GRCh37 (hg19) VCF-style: chr5-13754414-TG-T.
Other names: short protein forms H3484fs.
Identifiers: ClinVar variation 3641853 (VCV003641853.2).